The following is an entry in ClinVar:

NM_022455.5(NSD1):c.6524G>T (p.Cys2175Phe)

Gene: NSD1 (nuclear receptor binding SET domain protein 1; plus strand). Cytogenetic location: 5q35.3.
Variant type: single nucleotide variant.
Coding change: c.6524G>T on transcript NM_022455.5 (MANE Select); coding-DNA position 6524, G replaced by T.
Protein change: p.Cys2175Phe; replaces cysteine 2175 with phenylalanine.
Molecular consequence: missense variant.
Genome position (GRCh38, 1-based): chr5:177,293,892, G>T. VCF-style: chr5-177293892-G-T. GRCh37 (hg19) VCF-style: chr5-176720893-G-T.
Other names: c.5651G>T, p.Cys1884Phe (NM_001365684.2, NM_172349.5, NM_001409308.1); c.6524G>T, p.Cys2175Phe (NM_001409301.1, NM_001409302.1, NM_001409303.1); c.6104G>T, p.Cys2035Phe (NM_001409304.1); c.5771G>T, p.Cys1924Phe (NM_001409305.1); c.5762G>T, p.Cys1921Phe (NM_001409306.1, NM_001409307.1); c.5402G>T, p.Cys1801Phe (NM_001409309.1); short protein forms C1906F, C2175F, C1884F, C1921F, C2035F, C1924F, C1801F.
Identifiers: ClinVar variation 1204515 (VCV001204515.3), dbSNP rs1581562963, ClinGen allele CA362323695.

ClinVar aggregate classification (germline): Likely pathogenic (1 of 4 stars; one submission).

Submission:

GeneDx
Classification: Likely pathogenic. Last evaluated: 2019-10-18. Review status: criteria provided, single submitter. Criteria: GeneDx Variant Classification Process June 2021. Collection method: clinical testing. Allele origin: germline. Affected: yes.
Comment: Not observed in large population cohorts (Lek et al., 2016); In silico analysis, which includes protein predictors and evolutionary conservation, supports a deleterious effect